The following is an entry in ClinVar:

ClinVar aggregate classification (germline): Uncertain significance (1 of 4 stars; one submission).

Conditions:
TET3-related disorder. Also called: TET3-related condition; TET3-Related Disease.

Allele frequency attached by ClinVar (database versions not stated): gnomAD exomes below 0.00001.
gnomAD v4.1: 5 of 1,610,726 alleles (0.00031%); highest among the groups gnomAD compares: Non-Finnish European, 0.00042%; no homozygotes.

Submission:

PreventionGenetics, part of Exact Sciences
Classification: Uncertain significance for TET3-related condition. Last evaluated: 2022-12-21. Review status: criteria provided, single submitter. Criteria: ACMG Guidelines, 2015. Collection method: clinical testing. Allele origin: germline.
Comment: The TET3 c.543C>A variant is predicted to result in the amino acid substitution p.Asp181Glu. To our knowledge, this variant has not been reported in the literature or in a large population database, indicating this variant is rare. At this time, the clinical significance of this variant is uncertain due to the absence of conclusive functional and genetic evidence.

NM_001287491.2(TET3):c.543C>A (p.Asp181Glu)

Gene: TET3 (tet methylcytosine dioxygenase 3; plus strand). Cytogenetic location: 2p13.1.
Variant type: single nucleotide variant.
Coding change: c.543C>A on transcript NM_001287491.2 (MANE Select); coding-DNA position 543, C replaced by A.
Protein change: p.Asp181Glu; replaces aspartic acid 181 with glutamic acid.
Molecular consequence: missense variant.
Genome position (GRCh38, 1-based): chr2:74,046,460, C>A. VCF-style: chr2-74046460-C-A. GRCh37 (hg19) VCF-style: chr2-74273587-C-A.
Other names: c.264C>A, p.Asp88Glu (NM_001366022.1); c.138C>A, p.Asp46Glu (NM_144993.1); short protein forms D181E, D46E, D88E.
Identifiers: ClinVar variation 2636744 (VCV002636744.1), dbSNP rs2467427536, ClinGen allele CA347323642.